The following is an entry in ClinVar:

NM_016111.4(TELO2):c.1031G>A (p.Gly344Asp)

Gene: TELO2 (telomere maintenance 2; plus strand). Cytogenetic location: 16p13.3.
Variant type: single nucleotide variant.
Coding change: c.1031G>A on transcript NM_016111.4 (MANE Select); coding-DNA position 1031, G replaced by A.
Protein change: p.Gly344Asp; replaces glycine 344 with aspartic acid.
Molecular consequence: missense variant.
Genome position (GRCh38, 1-based): chr16:1,500,375, G>A. VCF-style: chr16-1500375-G-A. GRCh37 (hg19) VCF-style: chr16-1550376-G-A.
Other names: c.1031G>A, p.Gly344Asp (NM_001351846.2); short protein forms G344D.
Identifiers: ClinVar variation 2392199 (VCV002392199.2), dbSNP rs769048090, ClinGen allele CA7811919.

ClinVar aggregate classification (germline): Uncertain significance (1 of 4 stars; one submission).

Conditions:
Inborn genetic diseases. Identifiers: MedGen C0950123, MeSH D030342.

Allele frequency attached by ClinVar (database versions not stated): gnomAD 0.00003; TOPMed 0.00004; ExAC 0.00009.

Submission:

Ambry Genetics
Classification: Uncertain significance for Inborn genetic diseases. Last evaluated: 2020-10-30. Review status: criteria provided, single submitter. Criteria: Ambry Variant Classification Scheme 2023. Collection method: clinical testing. Allele origin: germline.
Comment: The c.1031G>A (p.G344D) alteration is located in exon 8 (coding exon 7) of the TELO2 gene. This alteration results from a G to A substitution at nucleotide position 1031, causing the glycine (G) at amino acid position 344 to be replaced by an aspartic acid (D). Based on data from the Genome Aggregation Database (gnomAD) database, the TELO2 c.1031G>A alteration was observed in 0.003% (7/213278) of total alleles studied This amino acid position is well conserved in available vertebrate species. The in silico prediction for the p.G344D alteration is inconclusive. Based on insufficient or conflicting evidence, the clinical significance of this alteration remains unclear.